The following is an entry in ClinVar:

ClinVar aggregate classification (germline): Pathogenic (1 of 4 stars; one submission).

Submission:

GeneDx
Classification: Pathogenic. Last evaluated: 2018-11-07. Review status: criteria provided, single submitter. Criteria: GeneDx Variant Classification (06012015). Collection method: clinical testing. Allele origin: germline. Affected: yes.
Comment: The c.5105dupG variant in the ANKRD11 gene has not been reported previously as a pathogenic variant nor as a benign variant, to our knowledge. The c.5105dupG variant causes a frameshift starting with codon Valine 1703, changes this amino acid to an Arginine residue, and creates a premature Stop codon at position 29 of the new reading frame, denoted p.Val1703ArgfsX29. This variant is predicted to cause loss of normal protein function either through protein truncation or nonsense-mediated mRNA decay. The c.5105dupG variant is not observed in large population cohorts (Lek et al., 2016). We interpret c.5105dupG as a pathogenic variant.

NM_013275.6(ANKRD11):c.5105dup (p.Val1703fs)

Gene: ANKRD11 (ankyrin repeat domain containing 11; minus strand). Cytogenetic location: 16q24.3.
Variant type: Duplication.
Coding change: c.5105dup on transcript NM_013275.6 (MANE Select); coding-DNA position 5105, one base duplicated (G; older notation c.5105dupG).
Protein change: p.Val1703fs; shifts the reading frame from valine 1703.
Molecular consequence: frameshift variant.
Genome position (GRCh38, 1-based): chr16:89,281,437, C duplicated on the plus strand (G on the coding strand, the reverse complement: ANKRD11 is on the minus strand); the first of 2 consecutive C bases (chr16:89,281,437-89,281,438); duplicating either gives the same sequence. VCF-style (leftmost placement, unchanged base first): chr16-89281436-G-GC. GRCh37 (hg19) VCF-style: chr16-89347844-G-GC.
Other names: c.5105dup, p.Val1703fs (NM_001256182.2, NM_001256183.2); short protein forms V1703fs.
Identifiers: ClinVar variation 817892 (VCV000817892.1), dbSNP rs1597447943, ClinGen allele CA915949415.